The following is an entry in ClinVar:

NM_015559.3(SETBP1):c.2591C>A (p.Thr864Lys)

Gene: SETBP1 (SET binding protein 1; plus strand). Cytogenetic location: 18q12.3.
Variant type: single nucleotide variant.
Coding change: c.2591C>A on transcript NM_015559.3 (MANE Select); coding-DNA position 2591, C replaced by A.
Protein change: p.Thr864Lys; replaces threonine 864 with lysine.
Molecular consequence: missense variant.
Genome position (GRCh38, 1-based): chr18:44,951,931, C>A. VCF-style: chr18-44951931-C-A. GRCh37 (hg19) VCF-style: chr18-42531896-C-A.
Other names: c.2591C>A, p.Thr864Lys (NM_001379141.1, NM_001379142.1, NM_001410862.1); short protein forms T864K.
Identifiers: ClinVar variation 5017166 (VCV005017166.1).

ClinVar aggregate classification (germline): Uncertain significance (1 of 4 stars; one submission).

Submission:

GeneDx
Classification: Uncertain significance. Last evaluated: 2026-03-26. Review status: criteria provided, single submitter. Criteria: GeneDx Variant Classification Process June 2021. Collection method: clinical testing. Allele origin: germline.
Comment: Not observed at significant frequency in large population cohorts (gnomAD); In silico analysis supports that this missense variant has a deleterious effect on protein structure/function; Has not been previously published as pathogenic or benign to our knowledge